The following is an entry in ClinVar:

NM_172362.3(KCNH1):c.1976C>T (p.Ala659Val)

Gene: KCNH1 (potassium voltage-gated channel subfamily H member 1; minus strand). Cytogenetic location: 1q32.2.
Variant type: single nucleotide variant.
Coding change: c.1976C>T on transcript NM_172362.3 (MANE Select); coding-DNA position 1976, C replaced by T.
Protein change: p.Ala659Val; replaces alanine 659 with valine.
Molecular consequence: missense variant.
Genome position (GRCh38, 1-based): chr1:210,775,484, G>A on the plus strand (C>T on the coding strand, the complement: KCNH1 is on the minus strand). VCF-style: chr1-210775484-G-A. GRCh37 (hg19) VCF-style: chr1-210948826-G-A.
Other names: c.1895C>T, p.Ala632Val (NM_002238.4); short protein forms A632V, A659V.
Identifiers: ClinVar variation 4795209 (VCV004795209.1).

ClinVar aggregate classification (germline): Uncertain significance (1 of 4 stars; one submission).

Conditions:
KCNH1-related disorder. Also called: KCNH1-related disorders; KCNH1-related condition.

Submission:

Laboratorio de Biologia Molecular/Medicina Genomica - IFF/Fiocruz, Instituto Fernandes Figueira, Fundacao Oswaldo Cruz
Classification: Uncertain significance for KCNH1-related conditions. Last evaluated: 2025-09-02. Review status: criteria provided, single submitter. Criteria: ACMG Guidelines, 2015. Collection method: clinical testing. Allele origin: germline. Affected: yes. Observed: 1 variant allele.
Comment: Variant: c.1976C>T p.(Ala659Val) in exon 10 of the KCNH1 gene. Protein effect: Missense substitution at a highly conserved residue. In silico tools: Predict a deleterious impact. Population database (gnomAD): Absent. ACMG/AMP criteria applied: PM2_Supporting, PP3.